The following is an entry in ClinVar:

ClinVar aggregate classification (germline): Uncertain significance. Review status: criteria provided, multiple submitters, no conflicts (2 of 4 stars). 3 submissions from 3 submitters: Uncertain significance (3). Last evaluated 2025-08-07.

Conditions:
Inborn genetic diseases. Identifiers: MedGen C0950123, MeSH D030342.

Allele frequency attached by ClinVar (database versions not stated): gnomAD 0.00002; TOPMed 0.00003; ExAC 0.00006; gnomAD exomes 0.00007.

Submissions (3):

Ambry Genetics
Classification: Uncertain significance for Inborn genetic diseases. Last evaluated: 2025-08-07. Review status: criteria provided, single submitter. Criteria: Ambry Variant Classification Scheme 2023. Collection method: clinical testing. Allele origin: germline.

Labcorp Genetics (formerly Invitae), Labcorp
Classification: Uncertain significance. Last evaluated: 2022-06-13. Review status: criteria provided, single submitter. Criteria: Invitae Variant Classification Sherloc (09022015). Collection method: clinical testing. Allele origin: germline.
Comment: This sequence change replaces methionine, which is neutral and non-polar, with valine, which is neutral and non-polar, at codon 1756 of the KIAA1549 protein (p.Met1756Val). This variant is present in population databases (rs747971253, gnomAD 0.008%). This variant has not been reported in the literature in individuals affected with KIAA1549-related conditions. Algorithms developed to predict the effect of missense changes on protein structure and function are either unavailable or do not agree on the potential impact of this missense change (SIFT: "Deleterious"; PolyPhen-2: "Probably Damaging"; Align-GVGD: "Class C0"). In summary, the available evidence is currently insufficient to determine the role of this variant in disease. Therefore, it has been classified as a Variant of Uncertain Significance.

Blueprint Genetics
Classification: Uncertain significance. Last evaluated: 2020-09-21. Review status: criteria provided, single submitter. Criteria: ACMG Guidelines, 2015. Collection method: clinical testing. Allele origin: germline.

NM_001164665.2(KIAA1549):c.5266A>G (p.Met1756Val)

Gene: KIAA1549 (KIAA1549; minus strand). Cytogenetic location: 7q34.
Variant type: single nucleotide variant.
Coding change: c.5266A>G on transcript NM_001164665.2 (MANE Select); coding-DNA position 5266, A replaced by G.
Protein change: p.Met1756Val; replaces methionine 1756 with valine.
Molecular consequence: missense variant.
Genome position (GRCh38, 1-based): chr7:138,852,251, T>C on the plus strand (A>G on the coding strand, the complement: KIAA1549 is on the minus strand). VCF-style: chr7-138852251-T-C. GRCh37 (hg19) VCF-style: chr7-138536997-T-C.
Other names: c.5266A>G (NM_001164665.1); c.5266A>G, p.Met1756Val (NM_020910.3); short protein forms M1756V.
Identifiers: ClinVar variation 1922730 (VCV001922730.6), dbSNP rs747971253, ClinGen allele CA4505617.